The following is an entry in ClinVar:

NM_004336.5(BUB1):c.1891A>C (p.Lys631Gln)

Gene: BUB1 (BUB1 mitotic checkpoint serine/threonine kinase; minus strand). Cytogenetic location: 2q13.
Variant type: single nucleotide variant.
Coding change: c.1891A>C on transcript NM_004336.5 (MANE Select); coding-DNA position 1891, A replaced by C.
Protein change: p.Lys631Gln; replaces lysine 631 with glutamine.
Molecular consequence: missense variant.
Genome position (GRCh38, 1-based): chr2:110,653,509, T>G on the plus strand (A>C on the coding strand, the complement: BUB1 is on the minus strand). VCF-style: chr2-110653509-T-G. GRCh37 (hg19) VCF-style: chr2-111411086-T-G.
Other names: c.1831A>C, p.Lys611Gln (NM_001278616.2); c.1891A>C, p.Lys631Gln (NM_001278617.2); short protein forms K611Q, K631Q.
Identifiers: ClinVar variation 3483094 (VCV003483094.1).

ClinVar aggregate classification (germline): Uncertain significance (1 of 4 stars; one submission).

Submission:

Ambry Genetics
Classification: Uncertain significance. Last evaluated: 2024-10-29. Review status: criteria provided, single submitter. Criteria: Ambry Variant Classification Scheme 2023. Collection method: clinical testing. Allele origin: germline.
Comment: The p.K631Q variant (also known as c.1891A>C), located in coding exon 17 of the BUB1 gene, results from an A to C substitution at nucleotide position 1891. The lysine at codon 631 is replaced by glutamine, an amino acid with similar properties. This amino acid position is conserved. In addition, this alteration is predicted to be tolerated by in silico analysis. Based on the available evidence, the clinical significance of this variant remains unclear.